The following is an entry in ClinVar:

ClinVar aggregate classification (germline): Uncertain significance (1 of 4 stars; one submission).

Submission:

GeneDx
Classification: Uncertain significance. Last evaluated: 2023-08-26. Review status: criteria provided, single submitter. Criteria: GeneDx Variant Classification Process June 2021. Collection method: clinical testing. Allele origin: germline. Affected: yes.
Comment: Not observed at significant frequency in large population cohorts (gnomAD); In silico analysis supports that this missense variant has a deleterious effect on protein structure/function; Has not been previously published as pathogenic or benign to our knowledge

NM_001148.6(ANK2):c.1660G>A (p.Ala554Thr)

Gene: ANK2 (ankyrin 2; plus strand). Cytogenetic location: 4q26.
Variant type: single nucleotide variant.
Coding change: c.1660G>A on transcript NM_001148.6 (MANE Select); coding-DNA position 1660, G replaced by A.
Protein change: p.Ala554Thr; replaces alanine 554 with threonine.
Molecular consequence: missense variant.
Genome position (GRCh38, 1-based): chr4:113,274,626, G>A. VCF-style: chr4-113274626-G-A. GRCh37 (hg19) VCF-style: chr4-114195782-G-A.
Other names: c.1597G>A, p.Ala533Thr (NM_001127493.3, NM_001354239.2, NM_001354243.2 and 14 more transcripts); c.1660G>A, p.Ala554Thr (NM_001354225.2, NM_001354228.2, NM_001354232.2 and 8 more transcripts); c.1705G>A, p.Ala569Thr (NM_001354230.2, NM_001354231.2, NM_001354237.2 and 5 more transcripts); c.1573G>A, p.Ala525Thr (NM_001354249.2, NM_001354260.2, NM_001354264.2 and 13 more transcripts); c.1618G>A, p.Ala540Thr (NM_001354261.2, NM_001386147.1, NM_001386160.1); c.1450G>A, p.Ala484Thr (NM_001354269.3); c.1462G>A, p.Ala488Thr (NM_001354273.2); c.1375G>A, p.Ala459Thr (NM_001354277.2, NM_001386157.1, NM_001386158.1); and 4 more; short protein forms A459T, A484T, A488T, A525T, A533T, A540T, A542T, A550T.
Identifiers: ClinVar variation 2578206 (VCV002578206.1), dbSNP rs2059588557, ClinGen allele CA357908080.